The following is an entry in ClinVar:

NM_005502.4(ABCA1):c.3825C>T (p.Phe1275=)

Gene: ABCA1 (ATP binding cassette subfamily A member 1; minus strand). Cytogenetic location: 9q31.1.
Variant type: single nucleotide variant.
Coding change: c.3825C>T on transcript NM_005502.4 (MANE Select); coding-DNA position 3825, C replaced by T.
Protein change: p.Phe1275=; no amino-acid change (phenylalanine 1275 retained).
Molecular consequence: synonymous variant.
Genome position (GRCh38, 1-based): chr9:104,814,194, G>A on the plus strand (C>T on the coding strand, the complement: ABCA1 is on the minus strand). VCF-style: chr9-104814194-G-A. GRCh37 (hg19) VCF-style: chr9-107576475-G-A.
Identifiers: ClinVar variation 1735294 (VCV001735294.6), dbSNP rs759804103, ClinGen allele CA5168314.
Genomic context (GRCh38, chr9:104,814,194, plus strand): 5'-ATCATTTGGATCAGCAGCATCATCTTCAGTGAACGGGCGAAGACAGCTCTGCTTGTCCCC[G>A]AAGGCCCGCCTGTTTCGTCTTGCTGGCAAGGTACCATCTGAAGGCACAAGGAAAGAATCC-3'
Protein context (NP_005493.2, residues 1265-1285): TLPARRNRRA[Phe1275=]GDKQSCLRPF

ClinVar aggregate classification (germline): Likely benign. Review status: criteria provided, multiple submitters, no conflicts (2 of 4 stars). 4 submissions from 4 submitters: Likely benign (3). 1 of the submissions does not count toward it. Last evaluated 2025-10-18.

Conditions:
ABCA1-related disorder. Also called: ABCA1-related disorders; ABCA1-related condition. Identifiers: MedGen CN239173.
Cardiovascular phenotype. Identifiers: MedGen CN230736.

Allele frequency attached by ClinVar (database versions not stated): ExAC 0.00002; gnomAD 0.00003; gnomAD exomes 0.00003; TOPMed 0.00003.
gnomAD v4.1: 48 of 1,614,096 alleles (0.003%); highest among the groups gnomAD compares: East Asian, 0.0067%; no homozygotes.

Submissions (4):

Women's Health and Genetics/Laboratory Corporation of America, LabCorp
Classification: Likely benign. Last evaluated: 2025-10-18. Review status: criteria provided, single submitter. Criteria: LabCorp Variant Classification Summary - May 2015. Collection method: clinical testing. Allele origin: germline.

Labcorp Genetics (formerly Invitae), Labcorp
Classification: Likely benign. Last evaluated: 2024-05-08. Review status: criteria provided, single submitter. Criteria: Invitae Variant Classification Sherloc (09022015). Collection method: clinical testing. Allele origin: germline.

Ambry Genetics
Classification: Likely benign for Cardiovascular phenotype. Last evaluated: 2019-12-15. Review status: criteria provided, single submitter. Criteria: Ambry Variant Classification Scheme 2023. Collection method: clinical testing. Allele origin: germline.

PreventionGenetics, part of Exact Sciences
Classification: Likely benign for ABCA1-related condition. Last evaluated: 2019-08-09. Review status: no assertion criteria provided. Collection method: clinical testing. Allele origin: germline. Not counted in ClinVar's aggregate classification.
Comment: This variant is classified as likely benign based on ACMG/AMP sequence variant interpretation guidelines (Richards et al. 2015 PMID: 25741868, with internal and published modifications).